The following is an entry in ClinVar:

NM_005422.4(TECTA):c.4525T>A (p.Cys1509Ser)

Genes: TBCEL-TECTA (TBCEL-TECTA readthrough; plus strand), TECTA (tectorin alpha; plus strand). Cytogenetic location: 11q23.3.
Variant type: single nucleotide variant.
Coding change: c.4525T>A on transcript NM_005422.4 (MANE Select); coding-DNA position 4525, T replaced by A.
Protein change: p.Cys1509Ser; replaces cysteine 1509 with serine.
Molecular consequence: missense variant.
Genome position (GRCh38, 1-based): chr11:121,158,060, T>A. VCF-style: chr11-121158060-T-A. GRCh37 (hg19) VCF-style: chr11-121028769-T-A.
Other names: c.5482T>A, p.Cys1828Ser (NM_001378761.1); short protein forms C1509S, C1828S.
Identifiers: ClinVar variation 4800640 (VCV004800640.1).

ClinVar aggregate classification (germline): Uncertain significance (1 of 4 stars; one submission).

Submission:

Labcorp Genetics (formerly Invitae), Labcorp
Classification: Uncertain significance. Last evaluated: 2025-03-27. Review status: criteria provided, single submitter. Criteria: Invitae Variant Classification Sherloc (09022015). Collection method: clinical testing. Allele origin: germline.
Comment: This sequence change replaces cysteine, which is neutral and slightly polar, with serine, which is neutral and polar, at codon 1509 of the TECTA protein (p.Cys1509Ser). This variant is not present in population databases (gnomAD no frequency). This variant has not been reported in the literature in individuals affected with TECTA-related conditions. Invitae Evidence Modeling of protein sequence and biophysical properties (such as structural, functional, and spatial information, amino acid conservation, physicochemical variation, residue mobility, and thermodynamic stability) has been performed for this missense variant. However, the output from this modeling did not meet the statistical confidence thresholds required to predict the impact of this variant on TECTA protein function. This variant disrupts the p.Cys1509Gly amino acid residue in TECTA. Other variant(s) that disrupt this residue have been determined to be pathogenic (PMID: 15319541). This suggests that this residue is clinically significant, and that variants that disrupt this residue are likely to be disease-causing. In summary, the available evidence is currently insufficient to determine the role of this variant in disease. Therefore, it has been classified as a Variant of Uncertain Significance.

Literature cited by the submitters: PubMed 15319541.